The following is an entry in ClinVar:

ClinVar aggregate classification (germline): Uncertain significance (1 of 4 stars; one submission).

Conditions:
ALG12-congenital disorder of glycosylation (CDG1G). Also called: CDG Ig; ALG12-CDG; Congenital disorder of glycosylation, type Ig. Identifiers: Orphanet 79324, MedGen C2931001, MONDO:0011783, OMIM 607143.

Allele frequency attached by ClinVar (database versions not stated): gnomAD exomes below 0.00001; TOPMed below 0.00001.
gnomAD v4.1: 2 of 1,614,202 alleles (0.00012%); highest among the groups gnomAD compares: Non-Finnish European, 0.00017%; no homozygotes.

Submission:

Labcorp Genetics (formerly Invitae), Labcorp
Classification: Uncertain significance for ALG12-congenital disorder of glycosylation. Last evaluated: 2023-08-25. Review status: criteria provided, single submitter. Criteria: Invitae Variant Classification Sherloc (09022015). Collection method: clinical testing. Allele origin: germline.
Comment: In summary, the available evidence is currently insufficient to determine the role of this variant in disease. Therefore, it has been classified as a Variant of Uncertain Significance. An algorithm developed to predict the effect of missense changes on protein structure and function (PolyPhen-2) suggests that this variant is likely to be disruptive. This variant has not been reported in the literature in individuals affected with ALG12-related conditions. This variant is present in population databases (no rsID available, gnomAD 0.0009%). This sequence change replaces tyrosine, which is neutral and polar, with histidine, which is basic and polar, at codon 444 of the ALG12 protein (p.Tyr444His).

NM_024105.4(ALG12):c.1330T>C (p.Tyr444His)

Gene: ALG12 (ALG12 alpha-1,6-mannosyltransferase; minus strand). Cytogenetic location: 22q13.33.
Variant type: single nucleotide variant.
Coding change: c.1330T>C on transcript NM_024105.4 (MANE Select); coding-DNA position 1330, T replaced by C.
Protein change: p.Tyr444His; replaces tyrosine 444 with histidine.
Molecular consequence: missense variant.
Genome position (GRCh38, 1-based): chr22:49,903,975, A>G on the plus strand (T>C on the coding strand, the complement: ALG12 is on the minus strand). VCF-style: chr22-49903975-A-G. GRCh37 (hg19) VCF-style: chr22-50297623-A-G.
Other names: short protein forms Y444H.
Identifiers: ClinVar variation 2811361 (VCV002811361.3), dbSNP rs1245695770, ClinGen allele CA412071657.